The following is an entry in ClinVar:

ClinVar aggregate classification (germline): Pathogenic (1 of 4 stars; one submission).

Conditions:
Retinoblastoma (RB1). Also called: RETINOBLASTOMA, SOMATIC. Identifiers: Orphanet 790, MedGen C0035335, MeSH D012175, MONDO:0008380, OMIM 180200, HP:0009919. Disease mechanism: loss of function. Inheritance: Both sporadic and heritable forms are tested..

Submission:

Genetic Diagnostic Laboratory, University of Pennsylvania School of Medicine
Classification: Pathogenic for Retinoblastoma. Last evaluated: 2024-05-20. Review status: criteria provided, single submitter. Criteria: ACMG Guidelines, 2015. Collection method: clinical testing. Allele origin: germline. Affected: yes. Observed: 1 variant allele.
Comment: Case and Pedigree Information: BILATERAL CASES:1, UNILATERAL CASES:0, TOTAL CASES:1, PEDIGREES:1. ACMG Codes Applied:PVS1, PM2

NM_000321.3(RB1):c.2543del (p.Ile848fs)

Gene: RB1 (RB transcriptional corepressor 1; plus strand). Cytogenetic location: 13q14.2.
Variant type: Deletion.
Coding change: c.2543del on transcript NM_000321.3 (MANE Select); coding-DNA position 2543, one base deleted (T; older notation c.2543delT).
Protein change: p.Ile848fs; shifts the reading frame from isoleucine 848.
Molecular consequence: frameshift variant. On other transcripts: 5 prime UTR variant (1).
Genome position (GRCh38, 1-based): chr13:48,476,723, T deleted. VCF-style (leftmost placement, unchanged base first): chr13-48476722-AT-A. GRCh37 (hg19) VCF-style: chr13-49050858-AT-A.
Other names: c.2543del, p.Ile848fs (NM_001407165.1); c.-8del (NM_001407168.1); short protein forms I848fs.
Identifiers: ClinVar variation 3237111 (VCV003237111.1), dbSNP rs2542384271.
Genomic context (GRCh38, chr13:48,476,722, plus strand): 5'-CATTTAATGATTTAAAGTAAAGAATTCTGTAATTTGTAGACTTCTGAGAAGTTCCAGAAA[AT>A]AAATCAGATGGTATGTAACAGCGACCGTGTGCTCAAAAGAAGTGCTGAAGGAAGCAACCC-3'